The following is an entry in ClinVar:

NM_000038.6(APC):c.5378C>T (p.Ala1793Val)

Gene: APC (APC regulator of Wnt signaling pathway; plus strand). Cytogenetic location: 5q22.2.
Variant type: single nucleotide variant.
Coding change: c.5378C>T on transcript NM_000038.6 (MANE Select); coding-DNA position 5378, C replaced by T.
Protein change: p.Ala1793Val; replaces alanine 1793 with valine.
Molecular consequence: missense variant.
Genome position (GRCh38, 1-based): chr5:112,840,972, C>T. VCF-style: chr5-112840972-C-T. GRCh37 (hg19) VCF-style: chr5-112176669-C-T.
Other names: c.5378C>T, p.Ala1793Val (NM_001127510.3, NM_001354895.2); c.5324C>T, p.Ala1775Val (NM_001127511.3); c.5432C>T, p.Ala1811Val (NM_001354896.2); c.5408C>T, p.Ala1803Val (NM_001354897.2); c.5303C>T, p.Ala1768Val (NM_001354898.2); c.5294C>T, p.Ala1765Val (NM_001354899.2); c.5255C>T, p.Ala1752Val (NM_001354900.2); c.5201C>T, p.Ala1734Val (NM_001354901.2); and 5 more; short protein forms A1692V, A1752V, A1775V, A1793V, A1811V, A1633V, A1667V, A1510V.
Identifiers: ClinVar variation 926719 (VCV000926719.11), dbSNP rs764203580, ClinGen allele CA16033085.

ClinVar aggregate classification (germline): Uncertain significance. Review status: criteria provided, multiple submitters, no conflicts (2 of 4 stars). 4 submissions from 4 submitters: Uncertain significance (4). Last evaluated 2026-01-06.

Conditions:
Classic or attenuated familial adenomatous polyposis. Identifiers: MedGen CN372698, MONDO:0021057.
Familial adenomatous polyposis 1 (FAP1). Also called: FAMILIAL ADENOMATOUS POLYPOSIS 1, ATTENUATED; POLYPOSIS, ADENOMATOUS INTESTINAL. Identifiers: MedGen C2713442, MONDO:0021056, OMIM 175100. Disease mechanism: loss of function.
Hereditary cancer-predisposing syndrome. Also called: Neoplastic Syndromes, Hereditary; Tumor predisposition; Hereditary Cancer Syndrome; Hereditary neoplastic syndrome. Identifiers: Orphanet 140162, MedGen C0027672, MeSH D009386, MONDO:0015356.

gnomAD v4.1: 1 of 1,612,656 alleles (0.000062%); no homozygotes.

Submissions (4):

Labcorp Genetics (formerly Invitae), Labcorp
Classification: Uncertain significance for Familial adenomatous polyposis 1. Last evaluated: 2026-01-06. Review status: criteria provided, single submitter. Criteria: Invitae Variant Classification Sherloc (09022015). Collection method: clinical testing. Allele origin: germline.
Comment: This sequence change replaces alanine, which is neutral and non-polar, with valine, which is neutral and non-polar, at codon 1793 of the APC protein (p.Ala1793Val). This variant is not present in population databases (gnomAD no frequency). This variant has not been reported in the literature in individuals affected with APC-related conditions. ClinVar contains an entry for this variant (Variation ID: 926719). Invitae Evidence Modeling of protein sequence and biophysical properties (such as structural, functional, and spatial information, amino acid conservation, physicochemical variation, residue mobility, and thermodynamic stability) indicates that this missense variant is not expected to disrupt APC protein function with a negative predictive value of 95%. In summary, the available evidence is currently insufficient to determine the role of this variant in disease. Therefore, it has been classified as a Variant of Uncertain Significance.

All of Us Research Program, National Institutes of Health
Classification: Uncertain significance for Classic or attenuated familial adenomatous polyposis. Last evaluated: 2024-09-23. Review status: criteria provided, single submitter. Criteria: ACMG Guidelines, 2015. Collection method: clinical testing. Allele origin: germline. Inheritance: Autosomal dominant inheritance. Observed: 1 variant allele, 1 heterozygote.
Comment: This study involves interpretation of variants in research participants for the purpose of population health screening. Participant phenotype was not available at the time of variant classification. Additional details can be found in publication PMID: 35346344, PMCID: PMC8962531

GeneDx
Classification: Uncertain significance. Last evaluated: 2023-11-29. Review status: criteria provided, single submitter. Criteria: GeneDx Variant Classification Process June 2021. Collection method: clinical testing. Allele origin: germline. Affected: yes.
Comment: Not observed at significant frequency in large population cohorts (gnomAD); In silico analysis supports that this missense variant does not alter protein structure/function; Has not been previously published as pathogenic or benign to our knowledge; This variant is associated with the following publications: (PMID: 18199528)

Color Diagnostics, LLC DBA Color Health
Classification: Uncertain significance for Hereditary cancer-predisposing syndrome. Last evaluated: 2019-06-19. Review status: criteria provided, single submitter. Criteria: ACMG Guidelines, 2015. Collection method: clinical testing. Allele origin: germline.